The following is an entry in ClinVar:

NM_004484.3(GPC3):c.-197-?_*379+?dup

Gene: GPC3 (glypican 3; minus strand).
Variant type: Duplication.
Coding change: c.-197-?_*379+?dup on transcript NM_004484.3.
Other names: c.-197-?_*379+?dup (LRG_505t1).
Identifiers: ClinVar variation 239932 (VCV000239932.1).

ClinVar aggregate classification (germline): Uncertain significance (1 of 4 stars; one submission).

Conditions:
Wilms tumor 1 (WT1). Also called: Wilms tumor, somatic. Identifiers: Orphanet 654, MedGen CN033288, MONDO:0008679, OMIM 194070.

Submission:

Labcorp Genetics (formerly Invitae), Labcorp
Classification: Uncertain significance for Wilms tumor 1. Last evaluated: 2015-11-26. Review status: criteria provided, single submitter. Criteria: Invitae Variant Classification Sherloc (09022015). Collection method: clinical testing. Allele origin: germline.
Comment: A gross duplication of the genomic region encompassing the full coding sequence of the GPC3 gene has been identified. This variant has not been reported in the literature. In summary, this is a whole gene duplication with uncertain impact on protein function. It has been classified as a Variant of Uncertain Significance.